The following is an entry in ClinVar:

NM_000505.4(F12):c.562C>T (p.Arg188Cys)

Gene: F12 (coagulation factor XII; minus strand). Cytogenetic location: 5q35.3.
Variant type: single nucleotide variant.
Coding change: c.562C>T on transcript NM_000505.4 (MANE Select); coding-DNA position 562, C replaced by T.
Protein change: p.Arg188Cys; replaces arginine 188 with cysteine.
Molecular consequence: missense variant.
Genome position (GRCh38, 1-based): chr5:177,404,882, G>A on the plus strand (C>T on the coding strand, the complement: F12 is on the minus strand). VCF-style: chr5-177404882-G-A. GRCh37 (hg19) VCF-style: chr5-176831883-G-A.
Other names: short protein forms R188C.
Identifiers: ClinVar variation 3684664 (VCV003684664.2).
Genomic context (GRCh38, chr5:177,404,882, plus strand): 5'-AGGCTCCGGTGTAGCCCACCGGGCAGTGGCACAGGCGGTGGCCCTCCACCTCTAGGCAGC[G>A]ACCCCCATGGAGGCACGGGTTGGTGCGGCAGGCTTGGGGAGGGAACGCAGTGAGCCACCC-3'
Protein context (NP_000496.2, residues 178-198): CRTNPCLHGG[Arg188Cys]CLEVEGHRLC

ClinVar aggregate classification (germline): Uncertain significance (1 of 4 stars; one submission).

Submission:

Labcorp Genetics (formerly Invitae), Labcorp
Classification: Uncertain significance. Last evaluated: 2024-06-17. Review status: criteria provided, single submitter. Criteria: Invitae Variant Classification Sherloc (09022015). Collection method: clinical testing. Allele origin: germline.
Comment: This sequence change replaces arginine, which is basic and polar, with cysteine, which is neutral and slightly polar, at codon 188 of the F12 protein (p.Arg188Cys). This variant is not present in population databases (gnomAD no frequency). This variant has not been reported in the literature in individuals affected with F12-related conditions. Advanced modeling of protein sequence and biophysical properties (such as structural, functional, and spatial information, amino acid conservation, physicochemical variation, residue mobility, and thermodynamic stability) performed at Invitae indicates that this missense variant is expected to disrupt F12 protein function with a positive predictive value of 80%. In summary, the available evidence is currently insufficient to determine the role of this variant in disease. Therefore, it has been classified as a Variant of Uncertain Significance.